The following is an entry in ClinVar:

NM_004370.6(COL12A1):c.2481G>A (p.Thr827=)

Gene: COL12A1 (collagen type XII alpha 1 chain; minus strand). Cytogenetic location: 6q13.
Variant type: single nucleotide variant.
Coding change: c.2481G>A on transcript NM_004370.6 (MANE Select); coding-DNA position 2481, G replaced by A.
Protein change: p.Thr827=; no amino-acid change (threonine 827 retained).
Molecular consequence: synonymous variant. On other transcripts: intron variant (1).
Genome position (GRCh38, 1-based): chr6:75,175,267, C>T on the plus strand (G>A on the coding strand, the complement: COL12A1 is on the minus strand). VCF-style: chr6-75175267-C-T. GRCh37 (hg19) VCF-style: chr6-75884983-C-T.
Other names: p.Thr827=; c.74-22785G>A (NM_080645.3).
Identifiers: ClinVar variation 259326 (VCV000259326.17), dbSNP rs35170847, ClinGen allele CA3893959.

ClinVar aggregate classification (germline): Benign/Likely benign. Review status: criteria provided, multiple submitters, no conflicts (2 of 4 stars). 6 submissions from 6 submitters: Benign (4); Likely benign (2). Last evaluated 2026-04-06.

Conditions:
Ullrich congenital muscular dystrophy 2 (UCMD2). Identifiers: Orphanet 75840, MedGen C4225314, MONDO:0014654, OMIM 616470.
Bethlem myopathy 2 (BTHLM2). Identifiers: Orphanet 536516, Orphanet 610, MedGen C4225313, MONDO:0034022, OMIM 616471.

Allele frequency attached by ClinVar (database versions not stated): gnomAD exomes 0.00134; ExAC 0.00154; gnomAD 0.00478 and 0.00506; ESP Exome Variant Server 0.00488; TOPMed 0.00546; 1000 Genomes Project 0.00759; 1000 Genomes Project 30x 0.00859.
gnomAD v4.1: 1,547 of 1,614,142 alleles (0.096%); highest among the groups gnomAD compares: African/African-American, 1.7%; 10 homozygotes.

Submissions (6):

Women's Health and Genetics/Laboratory Corporation of America, LabCorp
Classification: Likely benign. Last evaluated: 2026-04-06. Review status: criteria provided, single submitter. Criteria: LabCorp Variant Classification Summary - May 2015. Collection method: clinical testing. Allele origin: germline.

Labcorp Genetics (formerly Invitae), Labcorp
Classification: Benign for Bethlem myopathy 2; Ullrich congenital muscular dystrophy 2. Last evaluated: 2026-02-01. Review status: criteria provided, single submitter. Criteria: Invitae Variant Classification Sherloc (09022015). Collection method: clinical testing. Allele origin: germline.

Blueprint Genetics
Classification: Likely benign. Last evaluated: 2024-11-26. Review status: criteria provided, single submitter. Criteria: ACMG Guidelines, 2015. Collection method: clinical testing. Allele origin: germline.

Mayo Clinic Laboratories, Mayo Clinic
Classification: Benign. Last evaluated: 2023-10-31. Review status: criteria provided, single submitter. Criteria: ACMG Guidelines, 2015. Collection method: clinical testing. Allele origin: germline. Observed: 5 variant alleles.
Comment: BS1, BS2, BP4, BP7

GeneDx
Classification: Benign. Last evaluated: 2021-05-20. Review status: criteria provided, single submitter. Criteria: GeneDx Variant Classification Process June 2021. Collection method: clinical testing. Allele origin: germline. Affected: yes.

PreventionGenetics, part of Exact Sciences
Classification: Benign. Review status: criteria provided, single submitter. Criteria: ACMG Guidelines, 2015. Collection method: clinical testing. Allele origin: germline.